The following is an entry in ClinVar:

NM_172362.3(KCNH1):c.1222G>A (p.Glu408Lys)

Gene: KCNH1 (potassium voltage-gated channel subfamily H member 1; minus strand). Cytogenetic location: 1q32.2.
Variant type: single nucleotide variant.
Coding change: c.1222G>A on transcript NM_172362.3 (MANE Select); coding-DNA position 1222, G replaced by A.
Protein change: p.Glu408Lys; replaces glutamic acid 408 with lysine.
Molecular consequence: missense variant.
Genome position (GRCh38, 1-based): chr1:210,919,880, C>T on the plus strand (G>A on the coding strand, the complement: KCNH1 is on the minus strand). VCF-style: chr1-210919880-C-T. GRCh37 (hg19) VCF-style: chr1-211093222-C-T.
Other names: c.1141G>A, p.Glu381Lys (NM_002238.4); short protein forms E381K, E408K.
Identifiers: ClinVar variation 2975371 (VCV002975371.3), dbSNP rs773231948, ClinGen allele CA1379905.
Genomic context (GRCh38, chr1:210,919,880, plus strand): 5'-TGCCAATGTCCATCGCTAGTTGGTACAGCCAGCTGTTGTTGCGGATTGTCTTGGTGTCCT[C>T]GTCAAAGATCTCATAGTCCCCAATGCTGTACCAGATGCAGGCCATCCAGTGTGCAGCCAG-3'
Protein context (NP_758872.1, residues 398-418): YSIGDYEIFD[Glu408Lys]DTKTIRNNSW

ClinVar aggregate classification (germline): Uncertain significance (1 of 4 stars; one submission).

Allele frequency attached by ClinVar (database versions not stated): gnomAD exomes below 0.00001; gnomAD 0.00001; TOPMed below 0.00001; ExAC 0.00001.
gnomAD v4.1: 7 of 1,614,020 alleles (0.00043%); highest among the groups gnomAD compares: Non-Finnish European, 0.00059%; no homozygotes.

Submission:

Labcorp Genetics (formerly Invitae), Labcorp
Classification: Uncertain significance. Last evaluated: 2025-06-02. Review status: criteria provided, single submitter. Criteria: Invitae Variant Classification Sherloc (09022015). Collection method: clinical testing. Allele origin: germline.
Comment: This sequence change replaces glutamic acid, which is acidic and polar, with lysine, which is basic and polar, at codon 408 of the KCNH1 protein (p.Glu408Lys). This variant is present in population databases (rs773231948, gnomAD no frequency). This variant has not been reported in the literature in individuals affected with KCNH1-related conditions. ClinVar contains an entry for this variant (Variation ID: 2975371). Invitae Evidence Modeling of protein sequence and biophysical properties (such as structural, functional, and spatial information, amino acid conservation, physicochemical variation, residue mobility, and thermodynamic stability) has been performed for this missense variant. However, the output from this modeling did not meet the statistical confidence thresholds required to predict the impact of this variant on KCNH1 protein function. In summary, the available evidence is currently insufficient to determine the role of this variant in disease. Therefore, it has been classified as a Variant of Uncertain Significance.